The following is an entry in ClinVar:

ClinVar aggregate classification (germline): Likely pathogenic (1 of 4 stars; one submission).

Conditions:
Hyper-IgM syndrome type 1. Also called: CD40 Ligand Deficiency; X-linked hyper-IgM syndrome; Immunodeficiency, X-linked, with hyper-IgM; Hyper-IgM Immunodeficiency Syndrome, Type 1. Identifiers: Orphanet 101088, MedGen C0398689, MONDO:0010626, OMIM 308230.

Submission:

3billion
Classification: Likely pathogenic for Hyper-IgM syndrome type 1. Review status: criteria provided, single submitter. Criteria: ACMG Guidelines, 2015. Collection method: clinical testing. Allele origin: unknown. Affected: yes. Observed: 1 hemizygote.
Comment: The variant is not observed in the gnomAD v2.1.1 dataset. The variant is predicted to result in a loss or disruption of normal protein function through protein truncation. Multiple pathogenic variants are reported in the predicted truncated region. Therefore, this variant is classified as Likely pathogenic according to the recommendation of ACMG/AMP guideline.

NM_000074.3(CD40LG):c.634del (p.His212fs)

Gene: CD40LG (CD40 ligand; plus strand). Cytogenetic location: Xq26.3.
Variant type: Deletion.
Coding change: c.634del on transcript NM_000074.3 (MANE Select); coding-DNA position 634, one base deleted (C; older notation c.634delC).
Protein change: p.His212fs; shifts the reading frame from histidine 212.
Molecular consequence: frameshift variant.
Genome position (GRCh38, 1-based): chrX:136,659,263, C deleted; the last of 3 consecutive C bases (chrX:136,659,261-136,659,263); deleting any one gives the same sequence. VCF-style (leftmost placement, unchanged base first): chrX-136659260-AC-A. GRCh37 (hg19) VCF-style: chrX-135741419-AC-A.
Other names: short protein forms H212fs.
Identifiers: ClinVar variation 2572456 (VCV002572456.1), dbSNP rs2522118292, ClinGen allele CA2580612495.